The following is an entry in ClinVar:

NM_000548.5(TSC2):c.4516C>T (p.His1506Tyr)

Gene: TSC2 (TSC complex subunit 2; plus strand). Cytogenetic location: 16p13.3.
Variant type: single nucleotide variant.
Coding change: c.4516C>T on transcript NM_000548.5 (MANE Select); coding-DNA position 4516, C replaced by T.
Protein change: p.His1506Tyr; replaces histidine 1506 with tyrosine.
Molecular consequence: missense variant.
Genome position (GRCh38, 1-based): chr16:2,084,973, C>T. VCF-style: chr16-2084973-C-T. GRCh37 (hg19) VCF-style: chr16-2134974-C-T.
Other names: c.4315C>T, p.His1439Tyr (NM_001077183.3); c.4447C>T, p.His1483Tyr (NM_001114382.3); c.4207C>T, p.His1403Tyr (NM_001318827.2); c.4171C>T, p.His1391Tyr (NM_001318829.2); c.3784C>T, p.His1262Tyr (NM_001318831.2); c.4348C>T, p.His1450Tyr (NM_001318832.2); c.4318C>T, p.His1440Tyr (NM_001363528.2); c.4384C>T, p.His1462Tyr (NM_001370404.1); and 1 more; short protein forms H1506Y, H1439Y, H1462Y, H1262Y, H1391Y, H1440Y, H1450Y, H1403Y.
Identifiers: ClinVar variation 468095 (VCV000468095.17), dbSNP rs1173459869, ClinGen allele CA394302760.

ClinVar aggregate classification (germline): Conflicting classifications of pathogenicity. Review status: criteria provided, conflicting classifications (1 of 4 stars). 4 submissions from 4 submitters: Uncertain significance (3); Benign (1). Last evaluated 2025-10-29.

Conditions:
Hereditary cancer-predisposing syndrome. Also called: Hereditary neoplastic syndrome; Neoplastic Syndromes, Hereditary; Tumor predisposition; Hereditary Cancer Syndrome. Identifiers: Orphanet 140162, MedGen C0027672, MeSH D009386, MONDO:0015356.
Tuberous sclerosis 2 (TSC2). Identifiers: Orphanet 805, MedGen C1860707, MONDO:0013199, OMIM 613254.

Allele frequency attached by ClinVar (database versions not stated): TOPMed below 0.00001; gnomAD exomes 0.00001.
gnomAD v4.1: 15 of 1,613,330 alleles (0.00093%); highest among the groups gnomAD compares: East Asian, 0.0022%; no homozygotes.

Submissions (4):

Labcorp Genetics (formerly Invitae), Labcorp
Classification: Benign for Tuberous sclerosis 2. Last evaluated: 2025-10-29. Review status: criteria provided, single submitter. Criteria: Invitae Variant Classification Sherloc (09022015). Collection method: clinical testing. Allele origin: germline.

GeneDx
Classification: Uncertain significance. Last evaluated: 2025-06-26. Review status: criteria provided, single submitter. Criteria: GeneDx Variant Classification Process June 2021. Collection method: clinical testing. Allele origin: germline. Affected: yes.
Comment: Has not been previously published as pathogenic or benign to our knowledge; In silico analysis supports that this missense variant has a deleterious effect on protein structure/function

Ambry Genetics
Classification: Uncertain significance for Hereditary cancer-predisposing syndrome. Last evaluated: 2024-03-28. Review status: criteria provided, single submitter. Criteria: Ambry Variant Classification Scheme 2023. Collection method: clinical testing. Allele origin: germline.
Comment: The p.H1506Y variant (also known as c.4516C>T), located in coding exon 34 of the TSC2 gene, results from a C to T substitution at nucleotide position 4516. The histidine at codon 1506 is replaced by tyrosine, an amino acid with similar properties. This amino acid position is highly conserved in available vertebrate species. In addition, this alteration is predicted to be deleterious by in silico analysis. Since supporting evidence is limited at this time, the clinical significance of this alteration remains unclear.

Genome-Nilou Lab
Classification: Uncertain significance for Tuberous sclerosis 2. Last evaluated: 2021-11-07. Review status: criteria provided, single submitter. Criteria: ACMG Guidelines, 2015. Collection method: clinical testing. Allele origin: germline. Affected: no.